The following is an entry in ClinVar:

ClinVar aggregate classification (germline): Uncertain significance. Review status: criteria provided, multiple submitters, no conflicts (2 of 4 stars). 12 submissions from 12 submitters: Uncertain significance (10). 2 of the submissions do not count toward it. Last evaluated 2026-01-06.

Conditions:
Hereditary cancer-predisposing syndrome. Also called: Tumor predisposition; Hereditary Cancer Syndrome; Neoplastic Syndromes, Hereditary; Hereditary neoplastic syndrome. Identifiers: Orphanet 140162, MedGen C0027672, MeSH D009386, MONDO:0015356.
Microcephaly, normal intelligence and immunodeficiency (NBS). Also called: IMMUNODEFICIENCY, MICROCEPHALY, AND CHROMOSOMAL INSTABILITY; SEEMANOVA SYNDROME II; Nijmegen breakage syndrome; Microcephaly with normal intelligence immunodeficiency and lymphoreticular malignancies; Nonsyndromal microcephaly autosomal recessive with normal intelligence; Seemanova syndrome 2. Identifiers: Orphanet 647, MedGen C0398791, MONDO:0009623, OMIM 251260.
Aplastic anemia. Identifiers: Orphanet 182040, Orphanet 88, MedGen C0002874, MONDO:0015909, OMIM 609135, HP:0001915.
Malignant tumor of breast. Also called: Malignant breast neoplasm; Cancer breast. Identifiers: MedGen C0006142, MONDO:0007254. Disease mechanism: loss of function.

Allele frequency attached by ClinVar (database versions not stated): TOPMed below 0.00001; ExAC 0.00001; gnomAD exomes 0.00002 and 0.00006.
gnomAD v4.1: 92 of 1,613,828 alleles (0.0057%); highest among the groups gnomAD compares: Non-Finnish European, 0.0076%; no homozygotes.

Submissions (12):

Labcorp Genetics (formerly Invitae), Labcorp
Classification: Uncertain significance for Microcephaly, normal intelligence and immunodeficiency. Last evaluated: 2026-01-06. Review status: criteria provided, single submitter. Criteria: Invitae Variant Classification Sherloc (09022015). Collection method: clinical testing. Allele origin: germline.
Comment: This sequence change replaces valine, which is neutral and non-polar, with glutamic acid, which is acidic and polar, at codon 556 of the NBN protein (p.Val556Glu). This variant is present in population databases (rs558023830, gnomAD 0.004%). This missense change has been observed in individual(s) with breast and/or ovarian cancer (PMID: 26315354, 29522266, 34326862). ClinVar contains an entry for this variant (Variation ID: 127859). An algorithm developed to predict the effect of missense changes on protein structure and function (PolyPhen-2) suggests that this variant is likely to be tolerated. In summary, the available evidence is currently insufficient to determine the role of this variant in disease. Therefore, it has been classified as a Variant of Uncertain Significance.

GeneDx
Classification: Uncertain significance. Last evaluated: 2025-02-05. Review status: criteria provided, single submitter. Criteria: GeneDx Variant Classification Process June 2021. Collection method: clinical testing. Allele origin: germline. Affected: yes.
Comment: Not observed at significant frequency in large population cohorts (gnomAD); In silico analysis indicates that this missense variant does not alter protein structure/function; This variant is associated with the following publications: (PMID: 26315354, 32885271, 33471991, 34326862, 38446568, 29522266, 36346689)

St. Jude Molecular Pathology, St. Jude Children's Research Hospital
Classification: Uncertain significance for Microcephaly, normal intelligence and immunodeficiency. Last evaluated: 2024-09-18. Review status: criteria provided, single submitter. Criteria: St. Jude Assertion Criteria 2020. Collection method: clinical testing. Allele origin: germline.
Comment: The NBN c.1667T>A (p.Val556Glu) missense change has a maximum subpopulation frequency of 0.004% in gnomAD v2.1.1. The in silico tool REVEL predicts a benign effect on protein function, but to our knowledge this prediction has not been confirmed by functional studies. To our knowledge, this variant has not been reported in individuals with Nijmegan breakage syndrome. In summary, the evidence currently available is insufficient to determine the clinical significance of this variant. It has therefore been classified as of uncertain significance.

Baylor Genetics
Classification: Uncertain significance for Aplastic anemia. Last evaluated: 2024-02-20. Review status: criteria provided, single submitter. Criteria: ACMG Guidelines, 2015. Collection method: clinical testing. Allele origin: unknown.

Quest Diagnostics Nichols Institute San Juan Capistrano
Classification: Uncertain significance. Last evaluated: 2023-01-19. Review status: criteria provided, single submitter. Criteria: Quest Diagnostics criteria. Collection method: clinical testing. Allele origin: unknown.
Comment: The frequency of this variant in the general population, 0.000044 (5/113546 chromosomes), is uninformative in assessment of its pathogenicity. This variant was also reported in one cancer-free woman over 70 years old (FLOSSIES). In the published literature, the variant has been reported in individuals with ovarian cancer (PMID: 26315354 (2015)) and in individuals with breast cancer (PMID: 29522266 (2018)). It has also been reported in individuals with breast cancer as well as in unaffected controls in a breast cancer association study (PMID: 33471991 (2021), see also LOVD). Analysis of this variant using bioinformatics tools for the prediction of the effect of amino acid changes on protein structure and function yielded predictions that this variant is benign. Based on the available information, we are unable to determine the clinical significance of this variant.

Ambry Genetics
Classification: Uncertain significance for Hereditary cancer-predisposing syndrome. Last evaluated: 2022-12-08. Review status: criteria provided, single submitter. Criteria: Ambry Variant Classification Scheme 2023. Collection method: clinical testing. Allele origin: germline.
Comment: The p.V556E variant (also known as c.1667T>A), located in coding exon 11 of the NBN gene, results from a T to A substitution at nucleotide position 1667. The valine at codon 556 is replaced by glutamic acid, an amino acid with dissimilar properties. In one study, this alteration was observed in 3/3236 cases with invasive epithelial ovarian cancer and 0/3431 controls (Ramus SJ et al. J. Natl. Cancer Inst., 2015 Nov;107:). It was also detected in 1/5589 German BRCA1/2-negative probands with breast cancer (Hauke J et al. Cancer Med, 2018 Apr;7:1349-1358) and in 1/3251 individuals who met eligibility criteria for hereditary breast and ovarian cancer syndrome (Lerner-Ellis J et al. J Cancer Res Clin Oncol, 2021 Mar;147:871-879). This amino acid position is poorly conserved in available vertebrate species. In addition, this alteration is predicted to be tolerated by in silico analysis. Since supporting evidence is limited at this time, the clinical significance of this alteration remains unclear.

Genome-Nilou Lab
Classification: Uncertain significance for Microcephaly, normal intelligence and immunodeficiency. Last evaluated: 2021-11-07. Review status: criteria provided, single submitter. Criteria: ACMG Guidelines, 2015. Collection method: clinical testing. Allele origin: germline. Affected: no.

Institute for Clinical Genetics, University Hospital TU Dresden, University Hospital TU Dresden
Classification: Uncertain significance. Last evaluated: 2021-11-03. Review status: criteria provided, single submitter. Criteria: ACMG Guidelines, 2015. Collection method: clinical testing. Allele origin: germline.

Women's Health and Genetics/Laboratory Corporation of America, LabCorp
Classification: Uncertain significance. Last evaluated: 2021-03-01. Review status: criteria provided, single submitter. Criteria: LabCorp Variant Classification Summary - May 2015. Collection method: clinical testing. Allele origin: germline.
Comment: Variant summary: NBN c.1667T>A (p.Val556Glu) results in a non-conservative amino acid change in the encoded protein sequence. Four of five in-silico tools predict a benign effect of the variant on protein function. The variant allele was found at a frequency of 2e-05 in 251204 control chromosomes (gnomAD). The available data on variant occurrences in the general population are insufficient to allow any conclusion about variant significance. c.1667T>A has been reported in the literature in individuals affected with epithelial ovarian cancer and breast cancer (Ramus_2015, Hauke_2018), however it was also found in 1/7325 European American women, older than age 70 years who have never had cancer (in the FLOSSIES database). These reports do not provide unequivocal conclusions about association of the variant with Nijmegen Breakage Syndrome. To our knowledge, no experimental evidence demonstrating an impact on protein function has been reported. Six clinical diagnostic laboratories have submitted clinical-significance assessments for this variant to ClinVar after 2014 without evidence for independent evaluation. All laboratories classified the variant as uncertain significance. Based on the evidence outlined above, the variant was classified as uncertain significance.

PreventionGenetics, part of Exact Sciences
Classification: Uncertain significance. Last evaluated: 2017-12-13. Review status: criteria provided, single submitter. Criteria: ACMG Guidelines, 2015. Collection method: clinical testing. Allele origin: germline.

Natera, Inc.
Classification: Uncertain significance for Nijmegen breakage syndrome. Last evaluated: 2020-09-16. Review status: no assertion criteria provided. Collection method: clinical testing. Allele origin: germline. Not counted in ClinVar's aggregate classification.

Department of Pathology and Laboratory Medicine, Sinai Health System
Classification: Uncertain significance for Malignant tumor of breast. Review status: no assertion criteria provided. Collection method: clinical testing. Allele origin: unknown. Affected: yes. Study: The Canadian Open Genetics Repository (COGR). Not counted in ClinVar's aggregate classification.
Comment: The NBN p.Val556Glu variant was identified in 4 of 17650 proband chromosomes (frequency: 0.0002) from American, Australian, British and German individuals or families with breast or ovarian cancer and was not identified in 6862 control chromosomes from healthy individuals (Ramus 2015, Hauke 2018). The variant was identified in dbSNP (ID: rs558023830) as â€šÃ„ÃºWith Uncertain significance alleleâ€šÃ„Ã¹ and ClinVar (classified as uncertain significance by Invitae, Ambry Genetics, GeneDx and 2 other submitters). The variant was not identified in LOVD 3.0. The variant was identified in control databases in 5 of 245964 chromosomes at a frequency of 0.00002 (Genome Aggregation Database Feb 27, 2017), in the European Non-Finnish population in 5 of 111478 chromosomes (freq: 0.00005); it was not observed in the African, Other, Latino, Ashkenazi Jewish, East Asian, European Finnish, or South Asian populations. The p.Val556 residue is not conserved in mammals and computational analyses (PolyPhen-2, SIFT, AlignGVGD, BLOSUM, MutationTaster) provide inconsistent predictions regarding the impact of the Glu variant to the protein; this information is not very predictive of pathogenicity. The variant occurs outside of the splicing consensus sequence and 1 of 4 in silico or computational prediction software programs (SpliceSiteFinder, MaxEntScan, NNSPLICE, GeneSplicer) predict a greater than 10% difference in splicing; this is not very predictive of pathogenicity. In summary, based on the above information, the clinical significance of this variant cannot be determined with certainty at this time. This variant is classified as a variant of uncertain significance.

Literature cited by the submitters: PubMed 26315354 (cited by 4 submitters); PubMed 29522266 (cited by 4 submitters); PubMed 34326862 (cited by Labcorp Genetics (formerly Invitae), Labcorp); PubMed 33471991 (cited by Quest Diagnostics Nichols Institute San Juan Capistrano); PubMed 32885271 (cited by Ambry Genetics).

NM_002485.5(NBN):c.1667T>A (p.Val556Glu)

Gene: NBN (nibrin; minus strand). Cytogenetic location: 8q21.3.
Variant type: single nucleotide variant.
Coding change: c.1667T>A on transcript NM_002485.5 (MANE Select); coding-DNA position 1667, T replaced by A.
Protein change: p.Val556Glu; replaces valine 556 with glutamic acid.
Molecular consequence: missense variant.
Genome position (GRCh38, 1-based): chr8:89,953,422, A>T on the plus strand (T>A on the coding strand, the complement: NBN is on the minus strand). VCF-style: chr8-89953422-A-T. GRCh37 (hg19) VCF-style: chr8-90965650-A-T.
Other names: p.V556E:GTG>GAG; c.1421T>A (NM_001024688.2); c.1421T>A, p.Val474Glu (NM_001024688.3); short protein forms V556E, V474E.
Identifiers: ClinVar variation 127859 (VCV000127859.37), dbSNP rs558023830, ClinGen allele CA287904.